The following is an entry in ClinVar:

Single allele

Genes: C22orf15 (chromosome 22 open reading frame 15; plus strand), GGT5 (gamma-glutamyltransferase 5; minus strand), GSTT1 (glutathione S-transferase theta 1; minus strand), GSTT2 (glutathione S-transferase theta 2 (gene/pseudogene); plus strand), DDTL (D-dopachrome tautomerase like; plus strand) and 22 more. Cytogenetic location: 22q11.23.
Variant type: Duplication.
Identifiers: ClinVar variation 997818 (VCV000997818.1).

ClinVar aggregate classification (germline): Pathogenic (0 of 4 stars; one submission).

Conditions:
Epilepsy. Also called: Seizure disorder. Identifiers: MedGen C0014544, MeSH D004827, MONDO:0005027.
Intellectual disability. Also called: Intellectual functioning disability; Intellectual developmental disorder; intellectual disabilities. Identifiers: MedGen C3714756, MeSH D008607, MONDO:0001071, HP:0001249.

Submission:

Institute of Human Genetics, University of Leipzig Medical Center
Classification: Pathogenic for Intellectual disability; Epilepsy. Last evaluated: 2021-02-25. Review status: no assertion criteria provided. Collection method: clinical testing. Allele origin: maternal. Inheritance: Autosomal dominant inheritance. Affected: yes. Observed: 1 variant allele, 1 heterozygote.
Comment: The variant was reviewed according to current ClinGen recommendations and classified as Pathogenic (criteria: 1A(0), 2A(1), 3A(0), 4K(-0.15), 4M(0.45), 5C(-0.15), Total score=1.15).